The following is an entry in ClinVar:

ClinVar aggregate classification (germline): Pathogenic (1 of 4 stars; one submission).

Conditions:
Alagille syndrome due to a JAG1 point mutation. Also called: HEPATIC DUCTULAR HYPOPLASIA, SYNDROMATIC; Alagille Syndrome 1; JAG1-Related Alagille Syndrome. Identifiers: Orphanet 261619, Orphanet 52, MedGen C1956125, MONDO:0016862, OMIM 118450.

Submission:

Labcorp Genetics (formerly Invitae), Labcorp
Classification: Pathogenic for Alagille syndrome due to a JAG1 point mutation. Last evaluated: 2021-08-15. Review status: criteria provided, single submitter. Criteria: Invitae Variant Classification Sherloc (09022015). Collection method: clinical testing. Allele origin: germline.
Comment: For these reasons, this variant has been classified as Pathogenic. This sequence change creates a premature translational stop signal (p.Tyr804*) in the JAG1 gene. It is expected to result in an absent or disrupted protein product. Loss-of-function variants in JAG1 are known to be pathogenic (PMID: 11180599). This variant is not present in population databases (ExAC no frequency). This variant has not been reported in the literature in individuals affected with JAG1-related conditions. Algorithms developed to predict the effect of sequence changes on RNA splicing suggest that this variant may create or strengthen a splice site.

Literature cited by the submitters: PubMed 11180599.

NM_000214.3(JAG1):c.2412C>A (p.Tyr804Ter)

Gene: JAG1 (jagged canonical Notch ligand 1; minus strand). Cytogenetic location: 20p12.2.
Variant type: single nucleotide variant.
Coding change: c.2412C>A on transcript NM_000214.3 (MANE Select); coding-DNA position 2412, C replaced by A.
Protein change: p.Tyr804Ter; replaces tyrosine 804 with a stop codon.
Molecular consequence: nonsense.
Genome position (GRCh38, 1-based): chr20:10,643,824, G>T on the plus strand (C>A on the coding strand, the complement: JAG1 is on the minus strand). VCF-style: chr20-10643824-G-T. GRCh37 (hg19) VCF-style: chr20-10624472-G-T.
Other names: short protein forms Y804*.
Identifiers: ClinVar variation 1458578 (VCV001458578.6), dbSNP rs2122600550, ClinGen allele CA408234652.